The following is an entry in ClinVar:

ClinVar aggregate classification (germline): Likely benign (1 of 4 stars; one submission).

Submission:

CeGaT Center for Human Genetics Tuebingen
Classification: Likely benign. Last evaluated: 2024-06-01. Review status: criteria provided, single submitter. Criteria: CeGaT Center For Human Genetics Tuebingen Variant Classification Criteria Version 2. Collection method: clinical testing. Allele origin: germline. Affected: yes. Observed: 1 variant allele.
Comment: NPIPB7: BP4, BS2

NM_001396030.1(NPIPB7):c.930G>A (p.Pro310=)

Gene: NPIPB7 (nuclear pore complex interacting protein family member B7; minus strand). Cytogenetic location: 16p12.1.
Variant type: single nucleotide variant.
Coding change: c.930G>A on transcript NM_001396030.1 (MANE Select); coding-DNA position 930, G replaced by A.
Protein change: p.Pro310=; no amino-acid change (proline 310 retained).
Molecular consequence: synonymous variant.
Genome position (GRCh38, 1-based): chr16:28,456,739, C>T on the plus strand (G>A on the coding strand, the complement: NPIPB7 is on the minus strand). VCF-style: chr16-28456739-C-T. GRCh37 (hg19) VCF-style: chr16-28468060-C-T.
Identifiers: ClinVar variation 3250560 (VCV003250560.18), dbSNP rs1471491578.
Genomic context (GRCh38, chr16:28,456,739, plus strand): 5'-GACAAAGAGACATTCCTTCAGATTATCATCCACTGAGGGTGGAAGAGGAGAGGGTGGAAG[C>T]GGGACAAAGAGACATTCCTTCAGATTATCATCCACTGAGGGTGGAAGAGGAGAGGGTGGA-3'
Protein context (NP_001382959.1, residues 300-320): DDNLKECLFV[Pro310=]LPPSPLPPSV